The following is an entry in ClinVar:

NM_004006.3(DMD):c.5152A>T (p.Lys1718Ter)

Gene: DMD (dystrophin; minus strand). Cytogenetic location: Xp21.1.
Variant type: single nucleotide variant.
Coding change: c.5152A>T on transcript NM_004006.3 (MANE Select); coding-DNA position 5152, A replaced by T.
Protein change: p.Lys1718Ter; replaces lysine 1718 with a stop codon.
Molecular consequence: nonsense.
Genome position (GRCh38, 1-based): chrX:32,364,584, T>A on the plus strand (A>T on the coding strand, the complement: DMD is on the minus strand). VCF-style: chrX-32364584-T-A. GRCh37 (hg19) VCF-style: chrX-32382701-T-A.
Other names: c.5128A>T, p.Lys1710Ter (NM_000109.4); c.5140A>T, p.Lys1714Ter (NM_004009.3); c.4783A>T, p.Lys1595Ter (NM_004010.3); c.1129A>T, p.Lys377Ter (NM_004011.4); c.1120A>T, p.Lys374Ter (NM_004012.4); short protein forms K1714*, K1710*, K1595*, K1718*, K374*, K377*.
Identifiers: ClinVar variation 3691630 (VCV003691630.2).

ClinVar aggregate classification (germline): Pathogenic (1 of 4 stars; one submission).

Conditions:
Duchenne muscular dystrophy (DMD). Also called: MUSCULAR DYSTROPHY, PSEUDOHYPERTROPHIC PROGRESSIVE, DUCHENNE TYPE; Duchenne Muscular Dystrophy (DMD). Identifiers: Orphanet 98896, MedGen C0013264, MONDO:0010679, OMIM 310200.

Submission:

Labcorp Genetics (formerly Invitae), Labcorp
Classification: Pathogenic for Duchenne muscular dystrophy. Last evaluated: 2024-10-17. Review status: criteria provided, single submitter. Criteria: Invitae Variant Classification Sherloc (09022015). Collection method: clinical testing. Allele origin: germline.
Comment: This sequence change creates a premature translational stop signal (p.Lys1718*) in the DMD gene. It is expected to result in an absent or disrupted protein product. Loss-of-function variants in DMD are known to be pathogenic (PMID: 16770791, 25007885). This variant is not present in population databases (gnomAD no frequency). This variant has not been reported in the literature in individuals affected with DMD-related conditions. Algorithms developed to predict the effect of sequence changes on RNA splicing suggest that this variant may disrupt the consensus splice site. For these reasons, this variant has been classified as Pathogenic.

Literature cited by the submitters: PubMed 16770791; PubMed 25007885.